The following is an entry in ClinVar:

ClinVar aggregate classification (germline): Uncertain significance (1 of 4 stars; one submission).

Allele frequency attached by ClinVar (database versions not stated): ExAC 0.00006; TOPMed 0.00010; gnomAD 0.00014; gnomAD exomes 0.00014; ESP Exome Variant Server 0.00048.

Submission:

Labcorp Genetics (formerly Invitae), Labcorp
Classification: Uncertain significance. Last evaluated: 2024-11-06. Review status: criteria provided, single submitter. Criteria: Invitae Variant Classification Sherloc (09022015). Collection method: clinical testing. Allele origin: germline.
Comment: This variant, c.1764_1766del, results in the deletion of 1 amino acid(s) of the PPP1R15B protein (p.Lys589del), but otherwise preserves the integrity of the reading frame. This variant is present in population databases (rs764878882, gnomAD 0.01%). This variant has not been reported in the literature in individuals affected with PPP1R15B-related conditions. ClinVar contains an entry for this variant (Variation ID: 2890553). Experimental studies and prediction algorithms are not available or were not evaluated, and the functional significance of this variant is currently unknown. In summary, the available evidence is currently insufficient to determine the role of this variant in disease. Therefore, it has been classified as a Variant of Uncertain Significance.

NM_032833.5(PPP1R15B):c.1764_1766del (p.Lys589del)

Gene: PPP1R15B (protein phosphatase 1 regulatory subunit 15B; minus strand). Cytogenetic location: 1q32.1.
Variant type: Deletion.
Coding change: c.1764_1766del on transcript NM_032833.5 (MANE Select); coding-DNA positions 1764 to 1766, 3 bases deleted (AAA; older notation c.1764_1766delAAA).
Protein change: p.Lys589del; deletes lysine 589.
Molecular consequence: inframe deletion.
Genome position (GRCh38, 1-based): chr1:204,409,646-204,409,648, TTT deleted on the plus strand (AAA on the coding strand, the reverse complement: PPP1R15B is on the minus strand). VCF-style (leftmost placement, unchanged base first): chr1-204409645-CTTT-C. GRCh37 (hg19) VCF-style: chr1-204378773-CTTT-C.
Other names: short protein forms K589del.
Identifiers: ClinVar variation 2890553 (VCV002890553.3), dbSNP rs764878882, ClinGen allele CA1346572.
Genomic context (GRCh38, chr1:204,409,645, plus strand): 5'-CACCTTACAAGAAAGTAAGGTGTGACACTCAGAAATGGCCACAATGGACTCAGATGGGGT[CTTT>C]GAGTCACGACAGCCTTTCTCATTTTCCCCTGATGTTTGAAAAGGAGCCTTAAAATTTAAA-3'